The following is an entry in ClinVar:

ClinVar aggregate classification (germline): Uncertain significance. Review status: criteria provided, multiple submitters, no conflicts (2 of 4 stars). 2 submissions from 2 submitters: Uncertain significance (2). Last evaluated 2026-04-17.

Conditions:
TTN-related disorder. Also called: TTN-related condition; TTN-related disease; TTN-related disorders.

Allele frequency attached by ClinVar (database versions not stated): gnomAD 0.00001; TOPMed 0.00002.
gnomAD v4.1: 4 of 1,612,064 alleles (0.00025%); highest among the groups gnomAD compares: African/African-American, 0.0053%; no homozygotes.

Submissions (2):

PreventionGenetics, part of Exact Sciences
Classification: Uncertain significance for TTN-related condition. Last evaluated: 2026-04-17. Review status: criteria provided, single submitter. Criteria: ACMG Guidelines, 2015. Collection method: clinical testing. Allele origin: germline.
Comment: The TTN c.28789A>G variant is predicted to result in the amino acid substitution p.Thr9597Ala. To our knowledge, this variant has not been reported in the literature. This variant is reported in 0.0065% of alleles in individuals of African descent in gnomAD. At this time, the clinical significance of this variant is uncertain due to the absence of conclusive functional and genetic evidence.

Revvity Omics, Revvity
Classification: Uncertain significance. Last evaluated: 2019-10-01. Review status: criteria provided, single submitter. Criteria: ACMG Guidelines, 2015. Collection method: clinical testing. Allele origin: germline.

NM_001267550.2(TTN):c.28789A>G (p.Thr9597Ala)

Gene: TTN (titin; minus strand). Cytogenetic location: 2q31.2.
Variant type: single nucleotide variant.
Coding change: c.28789A>G on transcript NM_001267550.2 (MANE Select); coding-DNA position 28789, A replaced by G.
Protein change: p.Thr9597Ala; replaces threonine 9597 with alanine.
Molecular consequence: missense variant. On other transcripts: intron variant (3).
Genome position (GRCh38, 1-based): chr2:178,707,778, T>C on the plus strand (A>G on the coding strand, the complement: TTN is on the minus strand). VCF-style: chr2-178707778-T-C. GRCh37 (hg19) VCF-style: chr2-179572505-T-C.
Other names: c.27838A>G, p.Thr9280Ala (NM_001256850.1); c.25057A>G, p.Thr8353Ala (NM_133378.4); c.13282+30304A>G (NM_003319.4); c.13858+30304A>G (NM_133437.4); c.13657+30304A>G (NM_133432.3); short protein forms T8353A, T9280A, T9597A.
Identifiers: ClinVar variation 2437446 (VCV002437446.4), dbSNP rs761562146, ClinGen allele CA1999518.